The following is an entry in ClinVar:

NM_004304.5(ALK):c.2633-3C>T

Gene: ALK (ALK receptor tyrosine kinase; minus strand). Cytogenetic location: 2p23.2.
Variant type: single nucleotide variant.
Coding change: c.2633-3C>T on transcript NM_004304.5 (MANE Select); 3 bases into the intron before coding-DNA position 2633, C replaced by T.
Molecular consequence: intron variant.
Genome position (GRCh38, 1-based): chr2:29,229,069, G>A on the plus strand (C>T on the coding strand, the complement: ALK is on the minus strand). VCF-style: chr2-29229069-G-A. GRCh37 (hg19) VCF-style: chr2-29451935-G-A.
Identifiers: ClinVar variation 620627 (VCV000620627.18), dbSNP rs200341945, ClinGen allele CA1594225.

ClinVar aggregate classification (germline): Conflicting classifications of pathogenicity. Review status: criteria provided, conflicting classifications (1 of 4 stars). 5 submissions from 5 submitters: Uncertain significance (3); Likely benign (1). 1 of the submissions does not count toward it. Last evaluated 2025-11-18.

Conditions:
ALK-related disorder. Also called: ALK-related condition.
Hereditary cancer-predisposing syndrome. Also called: Tumor predisposition; Neoplastic Syndromes, Hereditary; Hereditary Cancer Syndrome; Hereditary neoplastic syndrome. Identifiers: Orphanet 140162, MedGen C0027672, MeSH D009386, MONDO:0015356.
Familial isolated pituitary adenoma. Identifiers: Orphanet 314777, MedGen C2676191, MONDO:0017824.
Neuroblastoma, susceptibility to, 3. Also called: ALK-Related Neuroblastic Tumor Susceptibility. Identifiers: Orphanet 635, MedGen C2751681, MONDO:0013083, OMIM 613014.

Allele frequency attached by ClinVar (database versions not stated): gnomAD exomes 0.00001 and 0.00002; ExAC 0.00003; gnomAD 0.00006 and 0.00007; TOPMed 0.00009; ESP Exome Variant Server 0.00015; 1000 Genomes Project 0.00040; 1000 Genomes Project 30x 0.00062.
gnomAD v4.1: 21 of 1,613,862 alleles (0.0013%); highest among the groups gnomAD compares: African/African-American, 0.023%; no homozygotes.

Submissions (5):

Labcorp Genetics (formerly Invitae), Labcorp
Classification: Uncertain significance for Neuroblastoma, susceptibility to, 3. Last evaluated: 2025-11-18. Review status: criteria provided, single submitter. Criteria: Invitae Variant Classification Sherloc (09022015). Collection method: clinical testing. Allele origin: germline.
Comment: This sequence change falls in intron 15 of the ALK gene. It does not directly change the encoded amino acid sequence of the ALK protein. It affects a nucleotide within the consensus splice site. This variant is present in population databases (rs200341945, gnomAD 0.03%). This variant has not been reported in the literature in individuals affected with ALK-related conditions. ClinVar contains an entry for this variant (Variation ID: 620627). Variants that disrupt the consensus splice site are a relatively common cause of aberrant splicing (PMID: 17576681, 9536098). Algorithms developed to predict the effect of sequence changes on RNA splicing suggest that this variant is not likely to affect RNA splicing. In summary, the available evidence is currently insufficient to determine the role of this variant in disease. Therefore, it has been classified as a Variant of Uncertain Significance.

Ambry Genetics
Classification: Likely benign for Hereditary cancer-predisposing syndrome. Last evaluated: 2024-03-20. Review status: criteria provided, single submitter. Criteria: Ambry Variant Classification Scheme 2023. Collection method: clinical testing. Allele origin: germline.

GeneDx
Classification: Uncertain significance. Last evaluated: 2024-03-11. Review status: criteria provided, single submitter. Criteria: GeneDx Variant Classification Process June 2021. Collection method: clinical testing. Allele origin: germline. Affected: yes.
Comment: Not observed at significant frequency in large population cohorts (gnomAD); In silico analysis is inconclusive as to whether the variant alters gene splicing. In the absence of RNA/functional studies, the actual effect of this sequence change is unknown.; Has not been previously published as pathogenic or benign to our knowledge

St. Jude Molecular Pathology, St. Jude Children's Research Hospital
Classification: Uncertain significance for Familial isolated pituitary adenoma. Last evaluated: 2021-08-04. Review status: criteria provided, single submitter. Criteria: St. Jude Assertion Criteria 2020. Collection method: clinical testing. Allele origin: germline.

PreventionGenetics, part of Exact Sciences
Classification: Likely benign for ALK-related condition. Last evaluated: 2019-05-02. Review status: no assertion criteria provided. Collection method: clinical testing. Allele origin: germline. Not counted in ClinVar's aggregate classification.
Comment: This variant is classified as likely benign based on ACMG/AMP sequence variant interpretation guidelines (Richards et al. 2015 PMID: 25741868, with internal and published modifications).

Literature cited by the submitters: PubMed 17576681 (cited by Labcorp Genetics (formerly Invitae), Labcorp); PubMed 9536098 (cited by Labcorp Genetics (formerly Invitae), Labcorp).